The following is an entry in ClinVar:

NM_016203.4(PRKAG2):c.595G>T (p.Asp199Tyr)

Gene: PRKAG2 (protein kinase AMP-activated non-catalytic subunit gamma 2; minus strand). Cytogenetic location: 7q36.1.
Variant type: single nucleotide variant.
Coding change: c.595G>T on transcript NM_016203.4 (MANE Select); coding-DNA position 595, G replaced by T.
Protein change: p.Asp199Tyr; replaces aspartic acid 199 with tyrosine.
Molecular consequence: missense variant. On other transcripts: intron variant (5).
Genome position (GRCh38, 1-based): chr7:151,675,509, C>A on the plus strand (G>T on the coding strand, the complement: PRKAG2 is on the minus strand). VCF-style: chr7-151675509-C-A. GRCh37 (hg19) VCF-style: chr7-151372595-C-A.
Other names: c.463G>T, p.Asp155Tyr (NM_001040633.2, NM_001407024.1, NM_001407026.1 and 1 more transcripts); c.223G>T, p.Asp75Tyr (NM_001304527.2, NM_001363698.2, NM_001407028.1 and 1 more transcripts); c.595G>T, p.Asp199Tyr (NM_001407021.1, NM_001407022.1, NM_001407023.1); c.277G>T, p.Asp93Tyr (NM_001407032.1); c.467-80058G>T (NM_001407031.1); c.467-80055G>T (NM_001407030.1); c.361-43371G>T (NM_001407033.1); c.94+60391G>T (NM_001407037.1); and 1 more; short protein forms D155Y, D199Y, D75Y, D93Y.
Identifiers: ClinVar variation 3250459 (VCV003250459.3), dbSNP rs1305465396.

ClinVar aggregate classification (germline): Uncertain significance. Review status: criteria provided, multiple submitters, no conflicts (2 of 4 stars). 2 submissions from 2 submitters: Uncertain significance (2). Last evaluated 2024-10-28.

Conditions:
Hypertrophic cardiomyopathy 6. Identifiers: MedGen C1833236, MONDO:0010946, OMIM 600858.
Lethal congenital glycogen storage disease of heart. Also called: GLYCOGEN STORAGE DISEASE OF HEART; PHOSPHORYLASE KINASE DEFICIENCY OF HEART. Identifiers: Orphanet 439854, MedGen C1849813, MONDO:0009867, OMIM 261740.

Allele frequency attached by ClinVar (database versions not stated): gnomAD exomes below 0.00001.
gnomAD v4.1: 3 of 1,614,172 alleles (0.00019%); highest among the groups gnomAD compares: South Asian, 0.0022%; no homozygotes.

Submissions (2):

Labcorp Genetics (formerly Invitae), Labcorp
Classification: Uncertain significance for Lethal congenital glycogen storage disease of heart. Last evaluated: 2024-10-28. Review status: criteria provided, single submitter. Criteria: Invitae Variant Classification Sherloc (09022015). Collection method: clinical testing. Allele origin: germline.
Comment: This sequence change replaces aspartic acid, which is acidic and polar, with tyrosine, which is neutral and polar, at codon 199 of the PRKAG2 protein (p.Asp199Tyr). This variant is present in population databases (no rsID available, gnomAD 0.003%). This variant has not been reported in the literature in individuals affected with PRKAG2-related conditions. Invitae Evidence Modeling of protein sequence and biophysical properties (such as structural, functional, and spatial information, amino acid conservation, physicochemical variation, residue mobility, and thermodynamic stability) indicates that this missense variant is not expected to disrupt PRKAG2 protein function with a negative predictive value of 95%. In summary, the available evidence is currently insufficient to determine the role of this variant in disease. Therefore, it has been classified as a Variant of Uncertain Significance.

Neuberg Centre For Genomic Medicine, NCGM
Classification: Uncertain significance for Hypertrophic cardiomyopathy 6. Review status: criteria provided, single submitter. Criteria: ACMG Guidelines, 2015. Collection method: clinical testing. Allele origin: germline. Inheritance: Autosomal dominant inheritance. Affected: yes.
Comment: The observed missense variant c.595G>T (p.Asp199Tyr) in PRKAG2 gene has not been reported previously as a pathogenic variant nor as a benign variant, to our knowledge. The p.Asp199Tyr variant has allele frequency 0.0004% in gnomAD Exomes. This variant has not been submitted to the ClinVar database. The amino acid change p.Asp199Tyr in PRKAG2 is predicted as conserved by GERP++ and PhyloP across 100 vertebrates. The amino acid Asp at position 199 is changed to a Tyr changing protein sequence and it might alter its composition and physico-chemical properties. For these reasons, this variant has been classified as Variant of Uncertain Significance (VUS).